The following is an entry in ClinVar:

ClinVar aggregate classification (germline): Conflicting classifications of pathogenicity. Review status: criteria provided, conflicting classifications (1 of 4 stars). 2 submissions from 2 submitters: Uncertain significance (1); Likely benign (1). Last evaluated 2024-10-20.

Conditions:
Emery-Dreifuss muscular dystrophy (EDMD). Also called: Scapuloperoneal syndrome, X-linked (formerly); Humeroperoneal neuromuscular disease, (formerly). Identifiers: Orphanet 261, MedGen C0410189, MONDO:0016830.

Allele frequency attached by ClinVar (database versions not stated): gnomAD exomes 0.00001 and 0.00002; gnomAD 0.00004; TOPMed 0.00004.
gnomAD v4.1: 28 of 1,602,322 alleles (0.0017%); highest among the groups gnomAD compares: African/African-American, 0.0054%; no homozygotes.

Submissions (2):

Ambry Genetics
Classification: Likely benign. Last evaluated: 2024-10-20. Review status: criteria provided, single submitter. Criteria: Ambry Variant Classification Scheme 2023. Collection method: clinical testing. Allele origin: germline.

Labcorp Genetics (formerly Invitae), Labcorp
Classification: Uncertain significance for Emery-Dreifuss muscular dystrophy. Last evaluated: 2024-10-15. Review status: criteria provided, single submitter. Criteria: Invitae Variant Classification Sherloc (09022015). Collection method: clinical testing. Allele origin: germline.
Comment: This sequence change replaces serine, which is neutral and polar, with leucine, which is neutral and non-polar, at codon 434 of the SUN2 protein (p.Ser434Leu). The frequency data for this variant in the population databases is considered unreliable, as metrics indicate poor data quality at this position in the gnomAD database. This variant has not been reported in the literature in individuals affected with SUN2-related conditions. ClinVar contains an entry for this variant (Variation ID: 1011860). An algorithm developed to predict the effect of missense changes on protein structure and function outputs the following: PolyPhen-2: "Benign". The leucine amino acid residue is found in multiple mammalian species, which suggests that this missense change does not adversely affect protein function. In summary, the available evidence is currently insufficient to determine the role of this variant in disease. Therefore, it has been classified as a Variant of Uncertain Significance.

NM_015374.3(SUN2):c.1301C>T (p.Ser434Leu)

Genes: GTPBP1 (GTP binding protein 1; plus strand), SUN2 (Sad1 and UNC84 domain containing 2; minus strand). Cytogenetic location: 22q13.1.
Variant type: single nucleotide variant.
Coding change: c.1301C>T on transcript NM_015374.3 (MANE Select); coding-DNA position 1301, C replaced by T.
Protein change: p.Ser434Leu; replaces serine 434 with leucine.
Molecular consequence: missense variant.
Genome position (GRCh38, 1-based): chr22:38,740,322, G>A on the plus strand (C>T on the coding strand, the complement: SUN2 is on the minus strand). VCF-style: chr22-38740322-G-A. GRCh37 (hg19) VCF-style: chr22-39136327-G-A.
Other names: c.1364C>T, p.Ser455Leu (NM_001199579.2); c.1301C>T, p.Ser434Leu (NM_001199580.2); c.1301C>T (NM_015374.2); short protein forms S434L, S455L.
Identifiers: ClinVar variation 1011860 (VCV001011860.9), dbSNP rs990153882, ClinGen allele CA324300299.